The following is an entry in ClinVar:

ClinVar aggregate classification (germline): Conflicting classifications of pathogenicity. Review status: criteria provided, conflicting classifications (1 of 4 stars). 2 submissions from 2 submitters: Uncertain significance (1); Likely benign (1). Last evaluated 2022-07-16.

Allele frequency attached by ClinVar (database versions not stated): gnomAD 0.00001; TOPMed 0.00002; gnomAD exomes 0.00004 and 0.00006; ExAC 0.00011.
gnomAD v4.1: 63 of 1,613,696 alleles (0.0039%); highest among the groups gnomAD compares: Non-Finnish European, 0.005%; no homozygotes.

Submissions (2):

Labcorp Genetics (formerly Invitae), Labcorp
Classification: Uncertain significance. Last evaluated: 2022-07-16. Review status: criteria provided, single submitter. Criteria: Invitae Variant Classification Sherloc (09022015). Collection method: clinical testing. Allele origin: germline.
Comment: This sequence change replaces arginine, which is basic and polar, with glutamine, which is neutral and polar, at codon 538 of the COQ8A protein (p.Arg538Gln). This variant is present in population databases (rs768524626, gnomAD 0.01%). This variant has not been reported in the literature in individuals affected with COQ8A-related conditions. ClinVar contains an entry for this variant (Variation ID: 214034). Advanced modeling of protein sequence and biophysical properties (such as structural, functional, and spatial information, amino acid conservation, physicochemical variation, residue mobility, and thermodynamic stability) performed at Invitae indicates that this missense variant is not expected to disrupt COQ8A protein function. In summary, the available evidence is currently insufficient to determine the role of this variant in disease. Therefore, it has been classified as a Variant of Uncertain Significance.

GeneDx
Classification: Likely benign. Last evaluated: 2014-02-20. Review status: criteria provided, single submitter. Criteria: GeneDx Variant Classification (06012015). Collection method: clinical testing. Allele origin: germline. Affected: yes.
Comment: This variant is considered likely benign or benign based on one or more of the following criteria: it is a conservative change, it occurs at a poorly conserved position in the protein, it is predicted to be benign by multiple in silico algorithms, and/or has population frequency not consistent with disease.

NM_020247.5(COQ8A):c.1613G>A (p.Arg538Gln)

Gene: COQ8A (coenzyme Q8A; plus strand). Cytogenetic location: 1q42.13.
Variant type: single nucleotide variant.
Coding change: c.1613G>A on transcript NM_020247.5 (MANE Select); coding-DNA position 1613, G replaced by A.
Protein change: p.Arg538Gln; replaces arginine 538 with glutamine.
Molecular consequence: missense variant.
Genome position (GRCh38, 1-based): chr1:226,985,294, G>A. VCF-style: chr1-226985294-G-A. GRCh37 (hg19) VCF-style: chr1-227172995-G-A.
Other names: p.R538Q:CGG>CAG; short protein forms R538Q.
Identifiers: ClinVar variation 214034 (VCV000214034.3), dbSNP rs768524626, ClinGen allele CA325439.
Genomic context (GRCh38, chr1:226,985,294, plus strand): 5'-CCTCCTGTGCCTCTCCCCAGATCATCAGGGCTGCTGCCGACAGGGACAGGGAGACTGTGC[G>A]GGCGAAATCCATAGAGATGAAGTTCCTCACCGGCTACGAGGTCAAGGTGAGCAGGGTTGC-3'
Protein context (NP_064632.2, residues 528-548): AAADRDRETV[Arg538Gln]AKSIEMKFLT